The following is an entry in ClinVar:

NM_006648.4(WNK2):c.4373C>T (p.Pro1458Leu)

Gene: WNK2 (WNK lysine deficient protein kinase 2; plus strand). Cytogenetic location: 9q22.31.
Variant type: single nucleotide variant.
Coding change: c.4373C>T on transcript NM_006648.4 (MANE Select); coding-DNA position 4373, C replaced by T.
Protein change: p.Pro1458Leu; replaces proline 1458 with leucine.
Molecular consequence: missense variant.
Genome position (GRCh38, 1-based): chr9:93,289,127, C>T. VCF-style: chr9-93289127-C-T. GRCh37 (hg19) VCF-style: chr9-96051409-C-T.
Other names: c.4484C>T, p.Pro1495Leu (NM_001282394.3); short protein forms P1458L, P1495L.
Identifiers: ClinVar variation 3817006 (VCV003817006.1).
Genomic context (GRCh38, chr9:93,289,127, plus strand): 5'-AGACTCACGAGGCCCCGCTTGCTGTGCAGCCCCTCGTGGTGGGCCTAGCACCTTGCACTC[C>T]AGCTCCAGAGGCTGCCTCAACCAGGGACGCCAGTGCCCCAAGGGAGCCCCTGCCACCTCC-3'
Protein context (NP_006639.3, residues 1448-1468): PLVVGLAPCT[Pro1458Leu]APEAASTRDA

ClinVar aggregate classification (germline): Uncertain significance (1 of 4 stars; one submission).

gnomAD v4.1: 3 of 1,603,420 alleles (0.00019%); highest among the groups gnomAD compares: East Asian, 0.0022%; no homozygotes.

Submission:

Ambry Genetics
Classification: Uncertain significance. Last evaluated: 2025-02-05. Review status: criteria provided, single submitter. Criteria: Ambry Variant Classification Scheme 2023. Collection method: clinical testing. Allele origin: germline.
Comment: The p.P1458L variant (also known as c.4373C>T), located in coding exon 19 of the WNK2 gene, results from a C to T substitution at nucleotide position 4373. The proline at codon 1458 is replaced by leucine, an amino acid with similar properties. This amino acid position is conserved. In addition, this alteration is predicted to be tolerated by in silico analysis. Based on the available evidence, the clinical significance of this variant remains unclear.